The following is an entry in ClinVar:

NM_015346.4(ZFYVE26):c.5455A>G (p.Met1819Val)

Gene: ZFYVE26 (zinc finger FYVE-type containing 26; minus strand). Cytogenetic location: 14q24.1.
Variant type: single nucleotide variant.
Coding change: c.5455A>G on transcript NM_015346.4 (MANE Select); coding-DNA position 5455, A replaced by G.
Protein change: p.Met1819Val; replaces methionine 1819 with valine.
Molecular consequence: missense variant.
Genome position (GRCh38, 1-based): chr14:67,772,076, T>C on the plus strand (A>G on the coding strand, the complement: ZFYVE26 is on the minus strand). VCF-style: chr14-67772076-T-C. GRCh37 (hg19) VCF-style: chr14-68238793-T-C.
Other names: short protein forms M1819V.
Identifiers: ClinVar variation 2572865 (VCV002572865.1), dbSNP rs1379378198, ClinGen allele CA390167289.

ClinVar aggregate classification (germline): Uncertain significance (1 of 4 stars; one submission).

Submission:

GeneDx
Classification: Uncertain significance. Last evaluated: 2023-01-13. Review status: criteria provided, single submitter. Criteria: GeneDx Variant Classification Process June 2021. Collection method: clinical testing. Allele origin: germline. Affected: yes.
Comment: Not observed at significant frequency in large population cohorts (gnomAD); In silico analysis supports that this missense variant has a deleterious effect on protein structure/function; Has not been previously published as pathogenic or benign to our knowledge; This variant is associated with the following publications: (PMID: 18394578)